The following is an entry in ClinVar:

ClinVar aggregate classification (germline): Pathogenic (1 of 4 stars; one submission).

Conditions:
VPS13A-related neurodegenerative disease. Also called: ACANTHOCYTOSIS WITH NEUROLOGIC DISORDER; LEVINE-CRITCHLEY SYNDROME; Choreoacanthocytosis; Chorea-acanthocytosis; Choreaacanthocytosis; VPS13A Disease. Identifiers: Orphanet 2388, MedGen C0393576, MONDO:0008695, OMIM 200150.

Submission:

Myriad Genetics, Inc.
Classification: Pathogenic for VPS13A-related neurodegenerative disease. Last evaluated: 2023-08-10. Review status: criteria provided, single submitter. Criteria: Myriad Autosomal Dominant, Autosomal Recessive and X-Linked Classification Criteria (2023). Collection method: clinical testing. Allele origin: unknown.
Comment: NM_033305.2(VPS13A):c.8827C>T(Q2943*) is expected to be pathogenic in the context of VPS13A disease. This variant is predicted to lead to an abnormal or absent protein product due to the creation of a premature termination codon in VPS13A, a gene where loss-of-function variants are known to be pathogenic. Please note: this variant was assessed in the context of healthy population screening.

NM_033305.3(VPS13A):c.8827C>T (p.Gln2943Ter)

Gene: VPS13A (vacuolar protein sorting 13 homolog A; plus strand). Cytogenetic location: 9q21.2.
Variant type: single nucleotide variant.
Coding change: c.8827C>T on transcript NM_033305.3 (MANE Select); coding-DNA position 8827, C replaced by T.
Protein change: p.Gln2943Ter; replaces glutamine 2943 with a stop codon.
Molecular consequence: nonsense.
Genome position (GRCh38, 1-based): chr9:77,370,498, C>T. VCF-style: chr9-77370498-C-T. GRCh37 (hg19) VCF-style: chr9-79985414-C-T.
Other names: c.8710C>T, p.Gln2904Ter (NM_001018037.2); c.8827C>T, p.Gln2943Ter (NM_001018038.3, NM_015186.4); short protein forms Q2904*, Q2943*.
Identifiers: ClinVar variation 5011318 (VCV005011318.1).